The following is an entry in ClinVar:

NM_021939.4(FKBP10):c.717G>A (p.Glu239=)

Gene: FKBP10 (FKBP prolyl isomerase 10; plus strand). Cytogenetic location: 17q21.2.
Variant type: single nucleotide variant.
Coding change: c.717G>A on transcript NM_021939.4 (MANE Select); coding-DNA position 717, G replaced by A.
Protein change: p.Glu239=; no amino-acid change (glutamic acid 239 retained).
Molecular consequence: synonymous variant.
Genome position (GRCh38, 1-based): chr17:41,818,517, G>A. VCF-style: chr17-41818517-G-A. GRCh37 (hg19) VCF-style: chr17-39974769-G-A.
Identifiers: ClinVar variation 2891100 (VCV002891100.5), dbSNP rs144720393, ClinGen allele CA290698862.
Genomic context (GRCh38, chr17:41,818,517, plus strand): 5'-GGGCATGTGTCCTGGAGAGAGAAGGAAGATTATCATCCCTCCATTCCTGGCCTATGGCGA[G>A]AAAGGCTATGGTGAGGGTGGGCAAGGACACAAGGGGAAATTCCGCAGAAGAGGGAAAAAC-3'
Protein context (NP_068758.3, residues 229-249): IIIPPFLAYG[Glu239=]KGYGTVIPPQ

ClinVar aggregate classification (germline): Likely benign. Review status: criteria provided, single submitter (1 of 4 stars). 2 submissions from 2 submitters: Likely benign (1). 1 of the submissions does not count toward it. Last evaluated 2025-03-12.

Conditions:
FKBP10-related disorder. Also called: FKBP10-related condition.

Allele frequency attached by ClinVar (database versions not stated): gnomAD 0.00001; ESP Exome Variant Server 0.00008; TOPMed 0.00002; gnomAD exomes 0.00001.
gnomAD v4.1: 18 of 1,614,052 alleles (0.0011%); highest among the groups gnomAD compares: Non-Finnish European, 0.0015%; no homozygotes.

Submissions (2):

Labcorp Genetics (formerly Invitae), Labcorp
Classification: Likely benign. Last evaluated: 2025-03-12. Review status: criteria provided, single submitter. Criteria: Invitae Variant Classification Sherloc (09022015). Collection method: clinical testing. Allele origin: germline.

PreventionGenetics, part of Exact Sciences
Classification: Likely benign for FKBP10-related condition. Last evaluated: 2021-06-16. Review status: no assertion criteria provided. Collection method: clinical testing. Allele origin: germline. Not counted in ClinVar's aggregate classification.
Comment: This variant is classified as likely benign based on ACMG/AMP sequence variant interpretation guidelines (Richards et al. 2015 PMID: 25741868, with internal and published modifications).